The following is an entry in ClinVar:

ClinVar aggregate classification (germline): Conflicting classifications of pathogenicity. Review status: criteria provided, conflicting classifications (1 of 4 stars). 4 submissions from 4 submitters: Uncertain significance (3); Likely benign (1). Last evaluated 2025-04-10.

Conditions:
Emery-Dreifuss muscular dystrophy 4, autosomal dominant (EDMD4). Also called: EMERY-DREIFUSS MUSCULAR DYSTROPHY 4 WITH VARIABLE FEATURES. Identifiers: Orphanet 261, MedGen C2751807, MONDO:0013071, OMIM 612998.
Autosomal recessive ataxia, Beauce type. Also called: SYNE1 Deficiency; Spinocerebellar ataxia, autosomal recessive 8; ATAXIA, RECESSIVE, OF BEAUCE; SYNE1-Related Autosomal Recessive Cerebellar Ataxia. Identifiers: Orphanet 88644, MedGen C1853116, MONDO:0012549, OMIM 610743.

Allele frequency attached by ClinVar (database versions not stated): gnomAD 0.00001 and 0.00005; TOPMed 0.00005; 1000 Genomes Project 30x 0.00016; ExAC 0.00016; gnomAD exomes 0.00019; 1000 Genomes Project 0.00020.
gnomAD v4.1: 136 of 1,614,162 alleles (0.0084%); highest among the groups gnomAD compares: South Asian, 0.13%; no homozygotes.

Submissions (4):

Athena Diagnostics
Classification: Likely benign. Last evaluated: 2025-04-10. Review status: criteria provided, single submitter. Criteria: Athena Diagnostics Criteria. Collection method: clinical testing. Allele origin: unknown.
Comment: The frequency of this variant in the general population is higher than would generally be expected for pathogenic variants in this gene.

GeneDx
Classification: Uncertain significance. Last evaluated: 2023-06-20. Review status: criteria provided, single submitter. Criteria: GeneDx Variant Classification Process June 2021. Collection method: clinical testing. Allele origin: germline. Affected: yes.
Comment: In silico analysis supports that this missense variant has a deleterious effect on protein structure/function; Has not been previously published as pathogenic or benign to our knowledge

Labcorp Genetics (formerly Invitae), Labcorp
Classification: Uncertain significance for Emery-Dreifuss muscular dystrophy 4, autosomal dominant; Autosomal recessive ataxia, Beauce type. Last evaluated: 2022-07-24. Review status: criteria provided, single submitter. Criteria: Invitae Variant Classification Sherloc (09022015). Collection method: clinical testing. Allele origin: germline.
Comment: This sequence change replaces proline, which is neutral and non-polar, with leucine, which is neutral and non-polar, at codon 3316 of the SYNE1 protein (p.Pro3316Leu). This variant is present in population databases (rs559031643, gnomAD 0.1%). This variant has not been reported in the literature in individuals affected with SYNE1-related conditions. ClinVar contains an entry for this variant (Variation ID: 500915). Algorithms developed to predict the effect of missense changes on protein structure and function (SIFT, PolyPhen-2, Align-GVGD) all suggest that this variant is likely to be disruptive. In summary, the available evidence is currently insufficient to determine the role of this variant in disease. Therefore, it has been classified as a Variant of Uncertain Significance.

Eurofins Ntd Llc (ga)
Classification: Uncertain significance. Last evaluated: 2017-03-23. Review status: criteria provided, single submitter. Criteria: EGL Classification Definitions 2015. Collection method: clinical testing. Allele origin: germline. Observed: 1 variant allele, 1 heterozygote.

NM_182961.4(SYNE1):c.9926C>T (p.Pro3309Leu)

Gene: SYNE1 (spectrin repeat containing nuclear envelope protein 1; minus strand). Cytogenetic location: 6q25.2.
Variant type: single nucleotide variant.
Coding change: c.9926C>T on transcript NM_182961.4 (MANE Select); coding-DNA position 9926, C replaced by T.
Protein change: p.Pro3309Leu; replaces proline 3309 with leucine.
Molecular consequence: missense variant.
Genome position (GRCh38, 1-based): chr6:152,367,264, G>A on the plus strand (C>T on the coding strand, the complement: SYNE1 is on the minus strand). VCF-style: chr6-152367264-G-A. GRCh37 (hg19) VCF-style: chr6-152688399-G-A.
Other names: c.9947C>T, p.Pro3316Leu (NM_033071.5); c.9947C>T (NM_033071.3); c.9926C>T (NM_182961.2); short protein forms P3309L, P3316L.
Identifiers: ClinVar variation 500915 (VCV000500915.8), dbSNP rs559031643, ClinGen allele CA4057157.
Genomic context (GRCh38, chr6:152,367,264, plus strand): 5'-GTAAAGATGCACACCTCGAGCTTGAGCGTCCTGCTGTCCAGCACACTTTTGTCGGATGTC[G>A]GGTGGCAGTATGAATCCAGCATGTGAATCGCATCCGTCATCCAGTCTTGTAATTCTTTAA-3'
Protein context (NP_892006.3, residues 3299-3319): AIHMLDSYCH[Pro3309Leu]TSDKSVLDSR